The following is an entry in ClinVar:

NM_000038.6(APC):c.5911T>G (p.Ser1971Ala)

Gene: APC (APC regulator of Wnt signaling pathway; plus strand). Cytogenetic location: 5q22.2.
Variant type: single nucleotide variant.
Coding change: c.5911T>G on transcript NM_000038.6 (MANE Select); coding-DNA position 5911, T replaced by G.
Protein change: p.Ser1971Ala; replaces serine 1971 with alanine.
Molecular consequence: missense variant.
Genome position (GRCh38, 1-based): chr5:112,841,505, T>G. VCF-style: chr5-112841505-T-G. GRCh37 (hg19) VCF-style: chr5-112177202-T-G.
Other names: c.5911T>G, p.Ser1971Ala (NM_001127510.3, NM_001354895.2); c.5857T>G, p.Ser1953Ala (NM_001127511.3); c.5965T>G, p.Ser1989Ala (NM_001354896.2); c.5941T>G, p.Ser1981Ala (NM_001354897.2); c.5836T>G, p.Ser1946Ala (NM_001354898.2); c.5827T>G, p.Ser1943Ala (NM_001354899.2); c.5788T>G, p.Ser1930Ala (NM_001354900.2); c.5734T>G, p.Ser1912Ala (NM_001354901.2); and 5 more; short protein forms S1989A, S1845A, S1912A, S1946A, S1953A, S1971A, S1688A, S1870A.
Identifiers: ClinVar variation 826053 (VCV000826053.6), dbSNP rs1580665469, ClinGen allele CA16034264.
Genomic context (GRCh38, chr5:112,841,505, plus strand): 5'-TTACAGAATTTTGCTATTGAAAATACTCCGGTTTGCTTTTCTCATAATTCCTCTCTGAGT[T>G]CTCTCAGTGACATTGACCAAGAAAACAACAATAAAGAAAATGAACCTATCAAAGAGACTG-3'
Protein context (NP_000029.2, residues 1961-1981): VCFSHNSSLS[Ser1971Ala]LSDIDQENNN

ClinVar aggregate classification (germline): Uncertain significance. Review status: criteria provided, multiple submitters, no conflicts (2 of 4 stars). 2 submissions from 2 submitters: Uncertain significance (2). Last evaluated 2024-03-28.

Conditions:
Familial adenomatous polyposis 1 (FAP1). Also called: POLYPOSIS, ADENOMATOUS INTESTINAL; FAMILIAL ADENOMATOUS POLYPOSIS 1, ATTENUATED. Identifiers: MedGen C2713442, MONDO:0021056, OMIM 175100. Disease mechanism: loss of function.
Hereditary cancer-predisposing syndrome. Also called: Neoplastic Syndromes, Hereditary; Tumor predisposition; Hereditary neoplastic syndrome; Hereditary Cancer Syndrome. Identifiers: Orphanet 140162, MedGen C0027672, MeSH D009386, MONDO:0015356.

Submissions (2):

Labcorp Genetics (formerly Invitae), Labcorp
Classification: Uncertain significance for Familial adenomatous polyposis 1. Last evaluated: 2024-03-28. Review status: criteria provided, single submitter. Criteria: Invitae Variant Classification Sherloc (09022015). Collection method: clinical testing. Allele origin: germline.
Comment: This sequence change replaces serine, which is neutral and polar, with alanine, which is neutral and non-polar, at codon 1971 of the APC protein (p.Ser1971Ala). This variant is not present in population databases (gnomAD no frequency). This variant has not been reported in the literature in individuals affected with APC-related conditions. ClinVar contains an entry for this variant (Variation ID: 826053). Advanced modeling of protein sequence and biophysical properties (such as structural, functional, and spatial information, amino acid conservation, physicochemical variation, residue mobility, and thermodynamic stability) performed at Invitae indicates that this missense variant is not expected to disrupt APC protein function with a negative predictive value of 95%. In summary, the available evidence is currently insufficient to determine the role of this variant in disease. Therefore, it has been classified as a Variant of Uncertain Significance.

Ambry Genetics
Classification: Uncertain significance for Hereditary cancer-predisposing syndrome. Last evaluated: 2019-05-09. Review status: criteria provided, single submitter. Criteria: Ambry Variant Classification Scheme 2023. Collection method: clinical testing. Allele origin: germline.
Comment: The p.S1971A variant (also known as c.5911T>G), located in coding exon 15 of the APC gene, results from a T to G substitution at nucleotide position 5911. The serine at codon 1971 is replaced by alanine, an amino acid with similar properties. This amino acid position is highly conserved in available vertebrate species. In addition, in silico predictors for this gene do not accurately predict pathogenicity. Since supporting evidence is limited at this time, the clinical significance of this alteration remains unclear.